The following is an entry in ClinVar:

ClinVar aggregate classification (germline): Uncertain significance (1 of 4 stars; one submission).

Conditions:
Hypertrophic cardiomyopathy 26. Also called: Cardiomyopathy, familial hypertrophic, 26. Identifiers: Orphanet 75249, MedGen C4310749, MONDO:0014883, OMIM 617047.
Myofibrillar myopathy 5. Also called: Filaminopathy (type); FILAMINOPATHY, AUTOSOMAL DOMINANT. Identifiers: Orphanet 171445, MedGen C1836050, MONDO:0012289, OMIM 609524.
Distal myopathy with posterior leg and anterior hand involvement. Also called: WILLIAMS DISTAL MYOPATHY. Identifiers: Orphanet 63273, MedGen C3279722, MONDO:0013550, OMIM 614065.

gnomAD v4.1: 1 of 1,612,600 alleles (0.000062%); highest among the groups gnomAD compares: Non-Finnish European, 0.000085%; no homozygotes.

Submission:

Labcorp Genetics (formerly Invitae), Labcorp
Classification: Uncertain significance for Distal myopathy with posterior leg and anterior hand involvement; Myofibrillar myopathy 5; Hypertrophic cardiomyopathy 26. Last evaluated: 2026-01-11. Review status: criteria provided, single submitter. Criteria: Invitae Variant Classification Sherloc (09022015). Collection method: clinical testing. Allele origin: germline.
Comment: This sequence change falls in intron 4 of the FLNC gene. It does not directly change the encoded amino acid sequence of the FLNC protein. It affects a nucleotide within the consensus splice site. This variant is not present in population databases (gnomAD no frequency). This variant has not been reported in the literature in individuals affected with FLNC-related conditions. Variants that disrupt the consensus splice site are a relatively common cause of aberrant splicing (PMID: 17576681, 9536098). Algorithms developed to predict the effect of sequence changes on RNA splicing suggest that this variant is not likely to affect RNA splicing. In summary, the available evidence is currently insufficient to determine the role of this variant in disease. Therefore, it has been classified as a Variant of Uncertain Significance.

Literature cited by the submitters: PubMed 17576681; PubMed 9536098.

NM_001458.5(FLNC):c.851-3T>C

Gene: FLNC (filamin C; plus strand). Cytogenetic location: 7q32.1.
Variant type: single nucleotide variant.
Coding change: c.851-3T>C on transcript NM_001458.5 (MANE Select); 3 bases into the intron before coding-DNA position 851, T replaced by C.
Molecular consequence: intron variant.
Genome position (GRCh38, 1-based): chr7:128,837,634, T>C. VCF-style: chr7-128837634-T-C. GRCh37 (hg19) VCF-style: chr7-128477688-T-C.
Other names: c.851-3T>C (NM_001127487.2).
Identifiers: ClinVar variation 4812660 (VCV004812660.1).
Genomic context (GRCh38, chr7:128,837,634, plus strand): 5'-CCTGGGCAGCTGGGCACATGTAGGCTCTCCCTGAGTAACCTGGGCTCTGCTCCTGCCCCG[T>C]AGGCATCGAGCCACAGGGCAACACCGTGCTGCAGCCTGCCCACTTCACCGTGCAGACGGT-3'